The following is an entry in ClinVar:

ClinVar aggregate classification (germline): Uncertain significance (1 of 4 stars; one submission).

Allele frequency attached by ClinVar (database versions not stated): gnomAD exomes below 0.00001 and 0.00001; TOPMed below 0.00001.
gnomAD v4.1: 1 of 1,538,130 alleles (0.000065%); highest among the groups gnomAD compares: Non-Finnish European, 0.000087%; no homozygotes.

Submission:

GeneDx
Classification: Uncertain significance. Last evaluated: 2021-02-26. Review status: criteria provided, single submitter. Criteria: GeneDx Variant Classification Process June 2021. Collection method: clinical testing. Allele origin: germline. Affected: yes.
Comment: Not observed at a significant frequency in large population cohorts (Lek et al., 2016); In silico analysis supports that this missense variant does not alter protein structure/function; Has not been previously published as pathogenic or benign to our knowledge

NM_001308093.3(GATA4):c.100T>A (p.Ser34Thr)

Gene: GATA4 (GATA binding protein 4). Cytogenetic location: 8p23.1.
Variant type: single nucleotide variant.
Coding change: c.100T>A on transcript NM_001308093.3 (MANE Select); coding-DNA position 100, T replaced by A.
Protein change: p.Ser34Thr; replaces serine 34 with threonine.
Molecular consequence: missense variant. On other transcripts: intron variant (3).
Genome position (GRCh38, 1-based): chr8:11,708,412, T>A. VCF-style: chr8-11708412-T-A. GRCh37 (hg19) VCF-style: chr8-11565921-T-A.
Other names: c.100T>A, p.Ser34Thr (NM_002052.5); c.-6+7634T>A (NM_001308094.2); c.-3+398T>A (NM_001374274.1); c.-3+4108T>A (NM_001374273.1); short protein forms S34T.
Identifiers: ClinVar variation 1304058 (VCV001304058.2), dbSNP rs1390725079, ClinGen allele CA370308864.
Genomic context (GRCh38, chr8:11,708,412, plus strand): 5'-CCCCCCGGTGCCTACGAGGCGGGCGGCCCCGGCGCCTTCATGCACGGCGCGGGCGCCGCG[T>A]CCTCGCCAGTCTACGTGCCCACACCGCGGGTGCCCTCCTCCGTGCTGGGCCTGTCCTACC-3'
Protein context (NP_001295022.1, residues 24-44): GAFMHGAGAA[Ser34Thr]SPVYVPTPRV